The following is an entry in ClinVar:

NM_001395159.1(UNC79):c.6858+3A>G

Gene: UNC79 (unc-79 homolog, NALCN channel complex subunit; plus strand). Cytogenetic location: 14q32.12.
Variant type: single nucleotide variant.
Coding change: c.6858+3A>G on transcript NM_001395159.1 (MANE Select); 3 bases into the intron after coding-DNA position 6858, A replaced by G.
Molecular consequence: intron variant.
Genome position (GRCh38, 1-based): chr14:93,659,264, A>G. VCF-style: chr14-93659264-A-G. GRCh37 (hg19) VCF-style: chr14-94125610-A-G.
Other names: c.6111+3A>G (NM_020818.5); c.6792+3A>G (NM_001346218.2).
Identifiers: ClinVar variation 3365779 (VCV003365779.1).

ClinVar aggregate classification (germline): Uncertain significance (1 of 4 stars; one submission).

gnomAD v4.1: 947 of 1,603,702 alleles (0.059%); highest among the groups gnomAD compares: Non-Finnish European, 0.074%; no homozygotes.

Submission:

GeneDx
Classification: Uncertain significance. Last evaluated: 2023-12-15. Review status: criteria provided, single submitter. Criteria: GeneDx Variant Classification Process June 2021. Collection method: clinical testing. Allele origin: germline. Affected: yes.
Comment: Has not been previously published as pathogenic or benign to our knowledge; In silico analysis is inconclusive as to whether the variant alters gene splicing. In the absence of RNA/functional studies, the actual effect of this sequence change is unknown.